The following is an entry in ClinVar:

NM_020949.3(SLC7A14):c.1810del (p.Met604fs)

Genes: SLC7A14 (solute carrier family 7 member 14; minus strand), SLC7A14-AS1 (SLC7A14 antisense RNA 1; plus strand). Cytogenetic location: 3q26.2.
Variant type: Deletion.
Coding change: c.1810del on transcript NM_020949.3 (MANE Select); coding-DNA position 1810, one base deleted (A; older notation c.1810delA).
Protein change: p.Met604fs; shifts the reading frame from methionine 604.
Molecular consequence: frameshift variant.
Genome position (GRCh38, 1-based): chr3:170,480,472, T deleted on the plus strand (A on the coding strand, the reverse complement: SLC7A14 is on the minus strand). VCF-style (leftmost placement, unchanged base first): chr3-170480471-AT-A. GRCh37 (hg19) VCF-style: chr3-170198260-AT-A.
Other names: short protein forms M604fs.
Identifiers: ClinVar variation 2134456 (VCV002134456.4), dbSNP rs1248089422, ClinGen allele CA548333390.

ClinVar aggregate classification (germline): Uncertain significance (1 of 4 stars; one submission).

Allele frequency attached by ClinVar (database versions not stated): TOPMed below 0.00001; gnomAD 0.00001.

Submission:

Labcorp Genetics (formerly Invitae), Labcorp
Classification: Uncertain significance. Last evaluated: 2022-05-05. Review status: criteria provided, single submitter. Criteria: Invitae Variant Classification Sherloc (09022015). Collection method: clinical testing. Allele origin: germline.
Comment: This variant has not been reported in the literature in individuals affected with SLC7A14-related conditions. The frequency data for this variant in the population databases is considered unreliable, as metrics indicate poor data quality at this position in the gnomAD database. This sequence change creates a premature translational stop signal (p.Met604Trpfs*4) in the SLC7A14 gene. It is expected to result in an absent or disrupted protein product. However, the current clinical and genetic evidence is not sufficient to establish whether loss-of-function variants in SLC7A14 cause disease. In summary, the available evidence is currently insufficient to determine the role of this variant in disease. Therefore, it has been classified as a Variant of Uncertain Significance.